The following is an entry in ClinVar:

NM_004928.3(CFAP410):c.355C>T (p.Gln119Ter)

Gene: CFAP410 (cilia and flagella associated protein 410; minus strand). Cytogenetic location: 21q22.3.
Variant type: single nucleotide variant.
Coding change: c.355C>T on transcript NM_004928.3 (MANE Select); coding-DNA position 355, C replaced by T.
Protein change: p.Gln119Ter; replaces glutamine 119 with a stop codon.
Molecular consequence: nonsense.
Genome position (GRCh38, 1-based): chr21:44,333,051, G>A on the plus strand (C>T on the coding strand, the complement: CFAP410 is on the minus strand). VCF-style: chr21-44333051-G-A. GRCh37 (hg19) VCF-style: chr21-45752934-G-A.
Other names: c.355C>T, p.Gln119Ter (NM_001271440.2, NM_001271441.2); c.232C>T, p.Gln78Ter (NM_001271442.1); short protein forms Q119*, Q78*.
Identifiers: ClinVar variation 489375 (VCV000489375.9), dbSNP rs1457263136, ClinGen allele CA410456210.

ClinVar aggregate classification (germline): Pathogenic. Review status: criteria provided, multiple submitters, no conflicts (2 of 4 stars). 4 submissions from 4 submitters: Pathogenic (4). Last evaluated 2025-04-16.

Conditions:
Retinal dystrophy with or without macular staphyloma. Identifiers: Orphanet 653709, MedGen C4479651, MONDO:0060507, OMIM 617547.
C21ORF2 & CFAP410-related disorders.

Allele frequency attached by ClinVar (database versions not stated): gnomAD 0.00001.
gnomAD v4.1: 33 of 1,595,024 alleles (0.0021%); highest among the groups gnomAD compares: Non-Finnish European, 0.0026%; no homozygotes.

Submissions (4):

Labcorp Genetics (formerly Invitae), Labcorp
Classification: Pathogenic. Last evaluated: 2025-04-16. Review status: criteria provided, single submitter. Criteria: Invitae Variant Classification Sherloc (09022015). Collection method: clinical testing. Allele origin: germline.
Comment: This sequence change creates a premature translational stop signal (p.Gln119*) in the CFAP410 gene. It is expected to result in an absent or disrupted protein product. Loss-of-function variants in CFAP410 are known to be pathogenic (PMID: 23105016, 26167768). This variant is present in population databases (no rsID available, gnomAD 0.007%). This variant has not been reported in the literature in individuals affected with CFAP410-related conditions. ClinVar contains an entry for this variant (Variation ID: 489375). For these reasons, this variant has been classified as Pathogenic.

Ocular Genomics Institute, Massachusetts Eye and Ear
Classification: Pathogenic for Retinal dystrophy with or without macular staphyloma. Last evaluated: 2024-01-17. Review status: criteria provided, single submitter. Criteria: ACMG Guidelines, 2015. Collection method: research. Allele origin: germline. Affected: yes. Observed: 1 variant allele, 1 homozygote.

Blueprint Genetics
Classification: Pathogenic for C21ORF2 & CFAP410-related disorders. Last evaluated: 2023-02-08. Review status: criteria provided, single submitter. Criteria: ACMG Guidelines, 2015. Collection method: clinical testing. Allele origin: germline. Affected: yes. Observed: 5 variant alleles.

GeneDx
Classification: Pathogenic. Last evaluated: 2018-01-24. Review status: criteria provided, single submitter. Criteria: GeneDx Variant Classification (06012015). Collection method: clinical testing. Allele origin: germline. Affected: yes.
Comment: The Q119X variant in the C21orf2 gene has not been reported previously as a pathogenic variant nor as a benign variant, to our knowledge. This variant is predicted to cause loss of normal protein function either through protein truncation or nonsense-mediated mRNA decay. The Q119X variant is not observed at a significant frequency in large population cohorts (Lek et al., 2016). We interpret Q119X as a pathogenic variant.

Literature cited by the submitters: PubMed 23105016 (cited by Labcorp Genetics (formerly Invitae), Labcorp); PubMed 26167768 (cited by Labcorp Genetics (formerly Invitae), Labcorp).